The following is an entry in ClinVar:

ClinVar aggregate classification (germline): Conflicting classifications of pathogenicity. Review status: criteria provided, conflicting classifications (1 of 4 stars). 6 submissions from 6 submitters: Uncertain significance (1); Likely benign (5). Last evaluated 2025-12-17.

Conditions:
BRCA2-related cancer predisposition. Identifiers: MedGen CN377758, MONDO:0700269.
Hereditary cancer-predisposing syndrome. Also called: Hereditary Cancer Syndrome; Hereditary neoplastic syndrome; Neoplastic Syndromes, Hereditary; Tumor predisposition. Identifiers: Orphanet 140162, MedGen C0027672, MeSH D009386, MONDO:0015356.
Hereditary breast ovarian cancer syndrome. Also called: Hereditary breast and ovarian cancer syndrome; Hereditary breast and ovarian cancer; Breast and ovarian cancer; BRCA1- and BRCA2-Associated Hereditary Breast and Ovarian Cancer; Hereditary breast and/or ovarian cancer syndrome; Hereditary breast and ovarian cancer syndrome (HBOC). Identifiers: Orphanet 145, MedGen C0677776, MeSH D061325, MONDO:0003582. Disease mechanism: loss of function.

Allele frequency attached by ClinVar (database versions not stated): TOPMed 0.00001.

Submissions (6):

Labcorp Genetics (formerly Invitae), Labcorp
Classification: Likely benign for Hereditary breast ovarian cancer syndrome. Last evaluated: 2025-12-17. Review status: criteria provided, single submitter. Criteria: Invitae Variant Classification Sherloc (09022015). Collection method: clinical testing. Allele origin: germline.

Quest Diagnostics Nichols Institute San Juan Capistrano
Classification: Uncertain significance. Last evaluated: 2025-05-23. Review status: criteria provided, single submitter. Criteria: Quest Diagnostics criteria. Collection method: clinical testing. Allele origin: unknown.
Comment: The BRCA2 c.6979T>C (p.Leu2327Leu) variant has not been reported in individuals with BRCA2-related conditions in the published literature. Functional assessments of this variant in cell lines have yielded inconclusive results (PMIDs: 37713444 (2023), 33691754 (2021)). This variant has not been reported in large, multi-ethnic general populations (Genome Aggregation Database). Analysis of this variant using software algorithms for the prediction of the effect of nucleotide changes on splicing yielded predictions that this variant does not affect BRCA2 mRNA splicing. Based on the available information, we are unable to determine the clinical significance of this variant.

All of Us Research Program, National Institutes of Health
Classification: Likely benign for BRCA2-related cancer predisposition. Last evaluated: 2024-05-14. Review status: criteria provided, single submitter. Criteria: ACMG Guidelines, 2015. Collection method: clinical testing. Allele origin: germline. Inheritance: Autosomal dominant inheritance. Observed: 3 variant alleles, 3 heterozygotes.
Comment: This study involves interpretation of variants in research participants for the purpose of population health screening. Participant phenotype was not available at the time of variant classification. Additional details can be found in publication PMID: 35346344, PMCID: PMC8962531

Color Diagnostics, LLC DBA Color Health
Classification: Likely benign for Hereditary cancer-predisposing syndrome. Last evaluated: 2017-09-29. Review status: criteria provided, single submitter. Criteria: ACMG Guidelines, 2015. Collection method: clinical testing. Allele origin: germline.

Ambry Genetics
Classification: Likely benign for Hereditary cancer-predisposing syndrome. Last evaluated: 2016-07-29. Review status: criteria provided, single submitter. Criteria: Ambry Variant Classification Scheme 2023. Collection method: clinical testing. Allele origin: germline.

GeneDx
Classification: Likely benign. Last evaluated: 2016-05-24. Review status: criteria provided, single submitter. Criteria: GeneDx Variant Classification (06012015). Collection method: clinical testing. Allele origin: germline. Affected: yes.
Comment: This variant is considered likely benign or benign based on one or more of the following criteria: it is a conservative change, it occurs at a poorly conserved position in the protein, it is predicted to be benign by multiple in silico algorithms, and/or has population frequency not consistent with disease.

Literature cited by the submitters: PubMed 33691754 (cited by Quest Diagnostics Nichols Institute San Juan Capistrano); PubMed 37713444 (cited by Quest Diagnostics Nichols Institute San Juan Capistrano).

NM_000059.4(BRCA2):c.6979T>C (p.Leu2327=)

Gene: BRCA2 (BRCA2 DNA repair associated; plus strand). Cytogenetic location: 13q13.1.
Variant type: single nucleotide variant.
Coding change: c.6979T>C on transcript NM_000059.4 (MANE Select); coding-DNA position 6979, T replaced by C.
Protein change: p.Leu2327=; no amino-acid change (leucine 2327 retained).
Molecular consequence: synonymous variant.
Genome position (GRCh38, 1-based): chr13:32,346,868, T>C. VCF-style: chr13-32346868-T-C. GRCh37 (hg19) VCF-style: chr13-32921005-T-C.
Identifiers: ClinVar variation 386622 (VCV000386622.22), dbSNP rs959097768, ClinGen allele CA16607480.